The following is an entry in ClinVar:

ClinVar aggregate classification (germline): Likely benign. Review status: criteria provided, single submitter (1 of 4 stars). 2 submissions from 2 submitters: Likely benign (1). 1 of the submissions does not count toward it. Last evaluated 2018-07-03.

Conditions:
NIPBL-related disorder. Also called: NIPBL-related condition.

Allele frequency attached by ClinVar (database versions not stated): TOPMed below 0.00001; gnomAD 0.00001; gnomAD exomes 0.00001.
gnomAD v4.1: 9 of 1,613,590 alleles (0.00056%); highest among the groups gnomAD compares: African/African-American, 0.0013%; no homozygotes.

Submissions (2):

Labcorp Genetics (formerly Invitae), Labcorp
Classification: Likely benign. Last evaluated: 2018-07-03. Review status: criteria provided, single submitter. Criteria: Invitae Variant Classification Sherloc (09022015). Collection method: clinical testing. Allele origin: germline.

PreventionGenetics, part of Exact Sciences
Classification: Likely benign for NIPBL-related condition. Last evaluated: 2022-12-19. Review status: no assertion criteria provided. Collection method: clinical testing. Allele origin: germline. Not counted in ClinVar's aggregate classification.
Comment: This variant is classified as likely benign based on ACMG/AMP sequence variant interpretation guidelines (Richards et al. 2015 PMID: 25741868, with internal and published modifications).

NM_133433.4(NIPBL):c.2910T>C (p.Thr970=)

Gene: NIPBL (NIPBL cohesin loading factor; plus strand). Cytogenetic location: 5p13.2.
Variant type: single nucleotide variant.
Coding change: c.2910T>C on transcript NM_133433.4 (MANE Select); coding-DNA position 2910, T replaced by C.
Protein change: p.Thr970=; no amino-acid change (threonine 970 retained).
Molecular consequence: synonymous variant.
Genome position (GRCh38, 1-based): chr5:36,986,090, T>C. VCF-style: chr5-36986090-T-C. GRCh37 (hg19) VCF-style: chr5-36986192-T-C.
Other names: c.2910T>C, p.Thr970= (NM_015384.5).
Identifiers: ClinVar variation 725314 (VCV000725314.5), dbSNP rs1045615108, ClinGen allele CA117045189.